The following is an entry in ClinVar:

ClinVar aggregate classification (germline): Uncertain significance (1 of 4 stars; one submission).

Allele frequency attached by ClinVar (database versions not stated): gnomAD exomes below 0.00001.
gnomAD v4.1: 5 of 1,608,518 alleles (0.00031%); highest among the groups gnomAD compares: South Asian, 0.0022%; no homozygotes.

Submission:

Ambry Genetics
Classification: Uncertain significance. Last evaluated: 2021-07-08. Review status: criteria provided, single submitter. Criteria: Ambry Variant Classification Scheme 2023. Collection method: clinical testing. Allele origin: germline.
Comment: The p.I202T variant (also known as c.605T>C), located in coding exon 4 of the POLQ gene, results from a T to C substitution at nucleotide position 605. The isoleucine at codon 202 is replaced by threonine, an amino acid with similar properties. This amino acid position is conserved. In addition, the in silico prediction for this alteration is inconclusive. Since supporting evidence is limited at this time, the clinical significance of this alteration remains unclear.

NM_199420.4(POLQ):c.605T>C (p.Ile202Thr)

Gene: POLQ (DNA polymerase theta; minus strand). Cytogenetic location: 3q13.33.
Variant type: single nucleotide variant.
Coding change: c.605T>C on transcript NM_199420.4 (MANE Select); coding-DNA position 605, T replaced by C.
Protein change: p.Ile202Thr; replaces isoleucine 202 with threonine.
Molecular consequence: missense variant.
Genome position (GRCh38, 1-based): chr3:121,539,459, A>G on the plus strand (T>C on the coding strand, the complement: POLQ is on the minus strand). VCF-style: chr3-121539459-A-G. GRCh37 (hg19) VCF-style: chr3-121258306-A-G.
Other names: short protein forms I202T.
Identifiers: ClinVar variation 1751327 (VCV001751327.2), dbSNP rs1205156778, ClinGen allele CA354091034.
Genomic context (GRCh38, chr3:121,539,459, plus strand): 5'-TAGAAAGTATTTACTTATTTTCTAACTTTCTTACCTAACAGATCCATCTTATTTTCCTCT[A>G]TGAGGCGATTGATCAGACCATTGGCTCTCTCAATTGTGCAGACTGCAATATCCAATGAAG-3'
Protein context (NP_955452.3, residues 192-212): ERANGLINRL[Ile202Thr]EENKMDLLGM